The following is an entry in ClinVar:

NM_080680.3(COL11A2):c.356C>T (p.Pro119Leu)

Gene: COL11A2 (collagen type XI alpha 2 chain; minus strand). Cytogenetic location: 6p21.32.
Variant type: single nucleotide variant.
Coding change: c.356C>T on transcript NM_080680.3 (MANE Select); coding-DNA position 356, C replaced by T.
Protein change: p.Pro119Leu; replaces proline 119 with leucine.
Molecular consequence: missense variant.
Genome position (GRCh38, 1-based): chr6:33,189,065, G>A on the plus strand (C>T on the coding strand, the complement: COL11A2 is on the minus strand). VCF-style: chr6-33189065-G-A. GRCh37 (hg19) VCF-style: chr6-33156842-G-A.
Other names: c.356C>T, p.Pro119Leu (NM_001163771.2, NM_080679.3, NM_080681.3); short protein forms P119L.
Identifiers: ClinVar variation 1934866 (VCV001934866.4), dbSNP rs758004925, ClinGen allele CA3751687.

ClinVar aggregate classification (germline): Uncertain significance (1 of 4 stars; one submission).

Allele frequency attached by ClinVar (database versions not stated): ExAC 0.00001; TOPMed 0.00001; gnomAD 0.00003.

Submission:

Labcorp Genetics (formerly Invitae), Labcorp
Classification: Uncertain significance. Last evaluated: 2022-06-29. Review status: criteria provided, single submitter. Criteria: Invitae Variant Classification Sherloc (09022015). Collection method: clinical testing. Allele origin: germline.
Comment: This sequence change replaces proline, which is neutral and non-polar, with leucine, which is neutral and non-polar, at codon 119 of the COL11A2 protein (p.Pro119Leu). This variant is present in population databases (rs758004925, gnomAD 0.008%). This variant has not been reported in the literature in individuals affected with COL11A2-related conditions. Advanced modeling of protein sequence and biophysical properties (such as structural, functional, and spatial information, amino acid conservation, physicochemical variation, residue mobility, and thermodynamic stability) performed at Invitae indicates that this missense variant is not expected to disrupt COL11A2 protein function. In summary, the available evidence is currently insufficient to determine the role of this variant in disease. Therefore, it has been classified as a Variant of Uncertain Significance.